The following is an entry in ClinVar:

ClinVar aggregate classification (germline): Uncertain significance (1 of 4 stars; one submission).

Allele frequency attached by ClinVar (database versions not stated): gnomAD 0.00001; gnomAD exomes 0.00001 and 0.00002; TOPMed 0.00001; ExAC 0.00003.
gnomAD v4.1: 18 of 1,610,210 alleles (0.0011%); highest among the groups gnomAD compares: Admixed American, 0.0034%; no homozygotes.

Submission:

Labcorp Genetics (formerly Invitae), Labcorp
Classification: Uncertain significance. Last evaluated: 2021-08-14. Review status: criteria provided, single submitter. Criteria: Invitae Variant Classification Sherloc (09022015). Collection method: clinical testing. Allele origin: germline.
Comment: This sequence change replaces alanine with threonine at codon 640 of the MYO18B protein (p.Ala640Thr). The alanine residue is moderately conserved and there is a small physicochemical difference between alanine and threonine. This variant is present in population databases (rs779117592, ExAC 0.009%). This variant has not been reported in the literature in individuals affected with MYO18B-related conditions. Algorithms developed to predict the effect of missense changes on protein structure and function are either unavailable or do not agree on the potential impact of this missense change (SIFT: "Not Available"; PolyPhen-2: "Probably Damaging"; Align-GVGD: "Not Available"). In summary, the available evidence is currently insufficient to determine the role of this variant in disease. Therefore, it has been classified as a Variant of Uncertain Significance.

NM_032608.7(MYO18B):c.1918G>A (p.Ala640Thr)

Gene: MYO18B (myosin XVIIIB; plus strand). Cytogenetic location: 22q12.1.
Variant type: single nucleotide variant.
Coding change: c.1918G>A on transcript NM_032608.7 (MANE Select); coding-DNA position 1918, G replaced by A.
Protein change: p.Ala640Thr; replaces alanine 640 with threonine.
Molecular consequence: missense variant.
Genome position (GRCh38, 1-based): chr22:25,777,631, G>A. VCF-style: chr22-25777631-G-A. GRCh37 (hg19) VCF-style: chr22-26173598-G-A.
Other names: c.1918G>A, p.Ala640Thr (NM_001318245.2); short protein forms A640T.
Identifiers: ClinVar variation 1448186 (VCV001448186.5), dbSNP rs779117592, ClinGen allele CA10160008.